The following is an entry in ClinVar:

ClinVar aggregate classification (germline): Likely benign. Review status: criteria provided, multiple submitters, no conflicts (2 of 4 stars). 3 submissions from 3 submitters: Likely benign (2). 1 of the submissions does not count toward it. Last evaluated 2025-10-17.

Conditions:
Succinate-semialdehyde dehydrogenase deficiency (SSADHD). Also called: Succinic Semialdehyde Dehydrogenase Deficiency; GABA METABOLIC DEFECT; SSADH DEFICIENCY; 4-HYDROXYBUTYRIC ACIDURIA. Identifiers: Orphanet 22, MedGen C0268631, MONDO:0010083, OMIM 271980.
ALDH5A1-related disorder. Also called: ALDH5A1-related condition.

Allele frequency attached by ClinVar (database versions not stated): gnomAD exomes 0.00004; 1000 Genomes Project 30x 0.00016; gnomAD 0.00028 and 0.00032; TOPMed 0.00038.
gnomAD v4.1: 97 of 1,494,022 alleles (0.0065%); highest among the groups gnomAD compares: African/African-American, 0.13%; no homozygotes.

Submissions (3):

Labcorp Genetics (formerly Invitae), Labcorp
Classification: Likely benign for Succinate-semialdehyde dehydrogenase deficiency. Last evaluated: 2025-10-17. Review status: criteria provided, single submitter. Criteria: Invitae Variant Classification Sherloc (09022015). Collection method: clinical testing. Allele origin: germline.

GeneDx
Classification: Likely benign. Last evaluated: 2021-04-09. Review status: criteria provided, single submitter. Criteria: GeneDx Variant Classification Process June 2021. Collection method: clinical testing. Allele origin: germline. Affected: yes.

PreventionGenetics, part of Exact Sciences
Classification: Likely benign for ALDH5A1-related condition. Last evaluated: 2021-11-01. Review status: no assertion criteria provided. Collection method: clinical testing. Allele origin: germline. Not counted in ClinVar's aggregate classification.
Comment: This variant is classified as likely benign based on ACMG/AMP sequence variant interpretation guidelines (Richards et al. 2015 PMID: 25741868, with internal and published modifications).

NM_001080.3(ALDH5A1):c.175C>T (p.Leu59=)

Genes: ALDH5A1 (aldehyde dehydrogenase 5 family member A1; plus strand), GPLD1 (glycosylphosphatidylinositol specific phospholipase D1; minus strand), LOC129995978 (ATAC-STARR-seq lymphoblastoid silent region 16989; plus strand). Cytogenetic location: 6p22.3.
Variant type: single nucleotide variant.
Coding change: c.175C>T on transcript NM_001080.3 (MANE Select); coding-DNA position 175, C replaced by T.
Protein change: p.Leu59=; no amino-acid change (leucine 59 retained).
Molecular consequence: synonymous variant.
Genome position (GRCh38, 1-based): chr6:24,495,171, C>T. VCF-style: chr6-24495171-C-T. GRCh37 (hg19) VCF-style: chr6-24495399-C-T.
Other names: c.175C>T, p.Leu59= (NM_001368954.1, NM_170740.1).
Identifiers: ClinVar variation 724868 (VCV000724868.16), dbSNP rs907112605, ClinGen allele CA136122180.